The following is an entry in ClinVar:

ClinVar aggregate classification (germline): Pathogenic (1 of 4 stars; one submission).

Conditions:
Generalized epilepsy with febrile seizures plus, type 7 (GEFSP7). Also called: GEFS+, TYPE 7. Identifiers: Orphanet 36387, MedGen C2751778, MONDO:0013470, OMIM 613863.
Neuropathy, hereditary sensory and autonomic, type 2A (HSAN2A). Also called: WNK1-Related HSAN2 (HSAN2A); HSAN IIA; MORVAN DISEASE; NEUROPATHY, CONGENITAL SENSORY; NEUROPATHY, HEREDITARY SENSORY RADICULAR, AUTOSOMAL RECESSIVE; NEUROPATHY, HEREDITARY SENSORY, TYPE IIA. Identifiers: Orphanet 970, MedGen C2752089, MONDO:0024309, OMIM 201300.

Submission:

Labcorp Genetics (formerly Invitae), Labcorp
Classification: Pathogenic for Neuropathy, hereditary sensory and autonomic, type 2A; Generalized epilepsy with febrile seizures plus, type 7. Last evaluated: 2022-12-06. Review status: criteria provided, single submitter. Criteria: Invitae Variant Classification Sherloc (09022015). Collection method: clinical testing. Allele origin: germline.
Comment: This variant disrupts a region of the SCN9A protein in which other variant(s) (p.Glu1773Glyfs*14) have been determined to be pathogenic (PMID: 25253744). This suggests that this is a clinically significant region of the protein, and that variants that disrupt it are likely to be disease-causing. For these reasons, this variant has been classified as Pathogenic. ClinVar contains an entry for this variant (Variation ID: 962274). This variant has not been reported in the literature in individuals affected with SCN9A-related conditions. This variant is not present in population databases (gnomAD no frequency). This sequence change creates a premature translational stop signal (p.Thr1684Glnfs*10) in the SCN9A gene. While this is not anticipated to result in nonsense mediated decay, it is expected to disrupt the last 294 amino acid(s) of the SCN9A protein.

Literature cited by the submitters: PubMed 25253744.

NM_001365536.1(SCN9A):c.5082del (p.Thr1695fs)

Genes: SCN9A (sodium voltage-gated channel alpha subunit 9; minus strand), SCN1A-AS1 (SCN1A and SCN9A antisense RNA 1; plus strand). Cytogenetic location: 2q24.3.
Variant type: Deletion.
Coding change: c.5082del on transcript NM_001365536.1 (MANE Select); coding-DNA position 5082, one base deleted (T; older notation c.5082delT).
Protein change: p.Thr1695fs; shifts the reading frame from threonine 1695.
Molecular consequence: frameshift variant.
Genome position (GRCh38, 1-based): chr2:166,199,557, A deleted on the plus strand (T on the coding strand, the reverse complement: SCN9A is on the minus strand); the first of 2 consecutive A bases (chr2:166,199,557-166,199,558); deleting either gives the same sequence. VCF-style (leftmost placement, unchanged base first): chr2-166199556-TA-T. GRCh37 (hg19) VCF-style: chr2-167056066-TA-T.
Other names: c.5048delT, p.Thr1684Glnfs (NM_002977.4); short protein forms T1684fs, T1695fs.
Identifiers: ClinVar variation 962274 (VCV000962274.10), dbSNP rs1320568689, ClinGen allele CA760167982.